The following is an entry in ClinVar:

NM_002230.4(JUP):c.2016C>T (p.Leu672=)

Gene: JUP (junction plakoglobin; minus strand). Cytogenetic location: 17q21.2.
Variant type: single nucleotide variant.
Coding change: c.2016C>T on transcript NM_002230.4 (MANE Select); coding-DNA position 2016, C replaced by T.
Protein change: p.Leu672=; no amino-acid change (leucine 672 retained).
Molecular consequence: synonymous variant.
Genome position (GRCh38, 1-based): chr17:41,757,445, G>A on the plus strand (C>T on the coding strand, the complement: JUP is on the minus strand). VCF-style: chr17-41757445-G-A. GRCh37 (hg19) VCF-style: chr17-39913697-G-A.
Other names: p.Leu672=; c.2016C>T, p.Leu672= (NM_001352773.2, NM_001352774.2, NM_001352775.2 and 3 more transcripts).
Identifiers: ClinVar variation 2939349 (VCV002939349.4), dbSNP rs1914013101, ClinGen allele CA500021099.
Genomic context (GRCh38, chr17:41,757,445, plus strand): 5'-AACTACTGTGGTCCAACCTAGGATACTCACAGCCTCCCAGGCAGCCGGGTCATGCTTGAA[G>A]AGGGAGTTGGTGAGCTCCACGGACACGCGCTTCCGGTAGTCTGGGTTCTTGTCCTCGGAG-3'
Protein context (NP_002221.1, residues 662-682): KRVSVELTNS[Leu672=]FKHDPAAWEA

ClinVar aggregate classification (germline): Likely benign. Review status: criteria provided, multiple submitters, no conflicts (2 of 4 stars). 2 submissions from 2 submitters: Likely benign (2). Last evaluated 2025-09-17.

Conditions:
Arrhythmogenic right ventricular dysplasia 12. Also called: ARRHYTHMOGENIC RIGHT VENTRICULAR DYSPLASIA, FAMILIAL, 12. Identifiers: MedGen C1969081, MONDO:0012684, OMIM 611528.
Naxos disease (NXD). Also called: KERATOSIS PALMOPLANTARIS WITH ARRHYTHMOGENIC CARDIOMYOPATHY; MAL DE NAXOS; PALMOPLANTAR KERATODERMA WITH ARRHYTHMOGENIC RIGHT VENTRICULAR CARDIOMYOPATHY AND WOOLLY HAIR; WOOLLY HAIR, PALMOPLANTAR KERATODERMA, AND CARDIAC ABNORMALITIES; CARDIOMYOPATHY, ARRHYTHMOGENIC RIGHT VENTRICULAR, WITH SKIN, HAIR, AND NAIL ABNORMALITIES. Identifiers: Orphanet 34217, MedGen C1832600, MONDO:0011017, OMIM 601214.

Allele frequency attached by ClinVar (database versions not stated): TOPMed below 0.00001.
gnomAD v4.1: 1 of 1,614,260 alleles (0.000062%); highest among the groups gnomAD compares: African/African-American, 0.0013%; no homozygotes.

Submissions (2):

Mayo Clinic Laboratories, Mayo Clinic
Classification: Likely benign. Last evaluated: 2025-09-17. Review status: criteria provided, single submitter. Criteria: ACMG Guidelines, 2015. Collection method: clinical testing. Allele origin: germline. Observed: 1 variant allele.
Comment: BP4, BP7, PM2_supporting

Labcorp Genetics (formerly Invitae), Labcorp
Classification: Likely benign for Arrhythmogenic right ventricular dysplasia 12; Naxos disease. Last evaluated: 2024-01-05. Review status: criteria provided, single submitter. Criteria: Invitae Variant Classification Sherloc (09022015). Collection method: clinical testing. Allele origin: germline.